The following is an entry in ClinVar:

NM_007144.3(PCGF2):c.112+10G>A

Gene: PCGF2 (polycomb group ring finger 2; minus strand). Cytogenetic location: 17q12.
Variant type: single nucleotide variant.
Coding change: c.112+10G>A on transcript NM_007144.3 (MANE Select); 10 bases into the intron after coding-DNA position 112, G replaced by A.
Molecular consequence: intron variant.
Genome position (GRCh38, 1-based): chr17:38,740,281, C>T on the plus strand (G>A on the coding strand, the complement: PCGF2 is on the minus strand). VCF-style: chr17-38740281-C-T. GRCh37 (hg19) VCF-style: chr17-36896534-C-T.
Other names: c.112+10G>A (NM_001369614.1, NM_001369615.1, NM_007144.2).
Identifiers: ClinVar variation 1668211 (VCV001668211.11), dbSNP rs2075057, ClinGen allele CA8525162.

ClinVar aggregate classification (germline): Benign. Review status: criteria provided, multiple submitters, no conflicts (2 of 4 stars). 3 submissions from 3 submitters: Benign (2). 1 of the submissions does not count toward it. Last evaluated 2026-02-04.

Conditions:
PCGF2-related disorder. Also called: PCGF2-related condition.

Allele frequency attached by ClinVar (database versions not stated): gnomAD exomes 0.08189; ExAC 0.08921; ESP Exome Variant Server 0.13863; gnomAD 0.13331 and 0.13477; TOPMed 0.14632; 1000 Genomes Project 0.18990; 1000 Genomes Project 30x 0.18973.
gnomAD v4.1: 103,206 of 1,610,792 alleles (6.4%); highest among the groups gnomAD compares: African/African-American, 33%; 7,144 homozygotes.

Submissions (3):

Labcorp Genetics (formerly Invitae), Labcorp
Classification: Benign. Last evaluated: 2026-02-04. Review status: criteria provided, single submitter. Criteria: Invitae Variant Classification Sherloc (09022015). Collection method: clinical testing. Allele origin: germline.

Breakthrough Genomics
Classification: Benign. Review status: criteria provided, single submitter. Criteria: ACMG Guidelines, 2015. Collection method: not provided. Allele origin: germline. Inheritance: Autosomal dominant inheritance. Affected: yes.

PreventionGenetics, part of Exact Sciences
Classification: Benign for PCGF2-related condition. Last evaluated: 2019-11-11. Review status: no assertion criteria provided. Collection method: clinical testing. Allele origin: germline. Not counted in ClinVar's aggregate classification.
Comment: This variant is classified as benign based on ACMG/AMP sequence variant interpretation guidelines (Richards et al. 2015 PMID: 25741868, with internal and published modifications).